The following is an entry in ClinVar:

ClinVar aggregate classification (germline): Uncertain significance. Review status: criteria provided, multiple submitters, no conflicts (2 of 4 stars). 2 submissions from 2 submitters: Uncertain significance (2). Last evaluated 2025-03-11.

Conditions:
Autosomal recessive distal spinal muscular atrophy 1. Also called: HMN VI; Spinal muscular atrophy with respiratory distress 1; NEURONOPATHY, DISTAL HEREDITARY MOTOR, HARDING TYPE VI; NEUROPATHY, DISTAL HEREDITARY MOTOR, AUTOSOMAL RECESSIVE 1; NEURONOPATHY, SEVERE INFANTILE AXONAL, WITH RESPIRATORY FAILURE; SEVERE INFANTILE AXONAL NEUROPATHY WITH RESPIRATORY FAILURE. Identifiers: Orphanet 98920, MedGen C1858517, MONDO:0011436, OMIM 604320.
Charcot-Marie-Tooth disease axonal type 2S. Also called: CHARCOT-MARIE-TOOTH DISEASE, AXONAL, AUTOSOMAL RECESSIVE, TYPE 2S; CHARCOT-MARIE-TOOTH NEUROPATHY, TYPE 2S. Identifiers: Orphanet 443073, MedGen C4015349, MONDO:0014511, OMIM 616155.

Allele frequency attached by ClinVar (database versions not stated): gnomAD 0.00001; gnomAD exomes 0.00001; ExAC 0.00002; TOPMed 0.00002.
gnomAD v4.1: 18 of 1,613,008 alleles (0.0011%); highest among the groups gnomAD compares: Middle Eastern, 0.033%; no homozygotes.

Submissions (2):

GeneDx
Classification: Uncertain significance. Last evaluated: 2025-03-11. Review status: criteria provided, single submitter. Criteria: GeneDx Variant Classification Process June 2021. Collection method: clinical testing. Allele origin: germline. Affected: yes.
Comment: Not observed at significant frequency in large population cohorts (gnomAD); In silico analysis supports that this missense variant has a deleterious effect on protein structure/function; Has not been previously published as pathogenic or benign to our knowledge; This variant is associated with the following publications: (PMID: 24388491, 25439726, 22965130)

Labcorp Genetics (formerly Invitae), Labcorp
Classification: Uncertain significance for Autosomal recessive distal spinal muscular atrophy 1; Charcot-Marie-Tooth disease axonal type 2S. Last evaluated: 2022-06-10. Review status: criteria provided, single submitter. Criteria: Invitae Variant Classification Sherloc (09022015). Collection method: clinical testing. Allele origin: germline.
Comment: This sequence change replaces glycine, which is neutral and non-polar, with serine, which is neutral and polar, at codon 431 of the IGHMBP2 protein (p.Gly431Ser). This variant is present in population databases (rs772257226, gnomAD 0.01%). This variant has not been reported in the literature in individuals affected with IGHMBP2-related conditions. Advanced modeling of protein sequence and biophysical properties (such as structural, functional, and spatial information, amino acid conservation, physicochemical variation, residue mobility, and thermodynamic stability) performed at Invitae indicates that this missense variant is expected to disrupt IGHMBP2 protein function. In summary, the available evidence is currently insufficient to determine the role of this variant in disease. Therefore, it has been classified as a Variant of Uncertain Significance.

NM_002180.3(IGHMBP2):c.1291G>A (p.Gly431Ser)

Gene: IGHMBP2 (immunoglobulin mu DNA binding protein 2; plus strand). Cytogenetic location: 11q13.3.
Variant type: single nucleotide variant.
Coding change: c.1291G>A on transcript NM_002180.3 (MANE Select); coding-DNA position 1291, G replaced by A.
Protein change: p.Gly431Ser; replaces glycine 431 with serine.
Molecular consequence: missense variant.
Genome position (GRCh38, 1-based): chr11:68,933,354, G>A. VCF-style: chr11-68933354-G-A. GRCh37 (hg19) VCF-style: chr11-68700822-G-A.
Other names: short protein forms G431S.
Identifiers: ClinVar variation 2039257 (VCV002039257.2), dbSNP rs772257226, ClinGen allele CA6153593.